The following is an entry in ClinVar:

NM_020529.3(NFKBIA):c.155T>C (p.Ile52Thr)

Gene: NFKBIA (NFKB inhibitor alpha; minus strand). Cytogenetic location: 14q13.2.
Variant type: single nucleotide variant.
Coding change: c.155T>C on transcript NM_020529.3 (MANE Select); coding-DNA position 155, T replaced by C.
Protein change: p.Ile52Thr; replaces isoleucine 52 with threonine.
Molecular consequence: missense variant.
Genome position (GRCh38, 1-based): chr14:35,404,490, A>G on the plus strand (T>C on the coding strand, the complement: NFKBIA is on the minus strand). VCF-style: chr14-35404490-A-G. GRCh37 (hg19) VCF-style: chr14-35873696-A-G.
Other names: short protein forms I52T.
Identifiers: ClinVar variation 3373178 (VCV003373178.1).

ClinVar aggregate classification (germline): Uncertain significance (1 of 4 stars; one submission).

Submission:

GeneDx
Classification: Uncertain significance. Last evaluated: 2024-04-26. Review status: criteria provided, single submitter. Criteria: GeneDx Variant Classification Process June 2021. Collection method: clinical testing. Allele origin: germline. Affected: yes.
Comment: Not observed at significant frequency in large population cohorts (gnomAD); In silico analysis indicates that this missense variant does not alter protein structure/function; Has not been previously published as pathogenic or benign to our knowledge